The following is an entry in ClinVar:

NM_000257.4(MYH7):c.1946C>T (p.Ala649Val)

Gene: MYH7 (myosin heavy chain 7; minus strand). Cytogenetic location: 14q11.2.
Variant type: single nucleotide variant.
Coding change: c.1946C>T on transcript NM_000257.4 (MANE Select); coding-DNA position 1946, C replaced by T.
Protein change: p.Ala649Val; replaces alanine 649 with valine.
Molecular consequence: missense variant.
Genome position (GRCh38, 1-based): chr14:23,427,250, G>A on the plus strand (C>T on the coding strand, the complement: MYH7 is on the minus strand). VCF-style: chr14-23427250-G-A. GRCh37 (hg19) VCF-style: chr14-23896459-G-A.
Other names: short protein forms A649V.
Identifiers: ClinVar variation 984950 (VCV000984950.2), dbSNP rs1892729277, ClinGen allele CA389049476.

ClinVar aggregate classification (germline): Likely pathogenic. Review status: criteria provided, multiple submitters, no conflicts (2 of 4 stars). 2 submissions from 2 submitters: Likely pathogenic (2). Last evaluated 2021-12-27.

Conditions:
MYH7-related disorder. Also called: MYH7-related condition; MYH7-related disease; MYH7-related disorders.
Cardiomyopathy (CMYO). Also called: Cardiomyopathies. Identifiers: Orphanet 167848, MedGen C0878544, MONDO:0004994, HP:0001638. Inheritance: Various modes of inheritance.

Submissions (2):

Blueprint Genetics
Classification: Likely pathogenic for MYH7-related disorders. Last evaluated: 2021-12-27. Review status: criteria provided, single submitter. Criteria: ACMG Guidelines, 2015. Collection method: clinical testing. Allele origin: germline. Affected: yes. Observed: 1 variant allele.

Rady Children's Institute for Genomic Medicine, Rady Children's Hospital San Diego
Classification: Likely pathogenic for Cardiomyopathy. Last evaluated: 2020-03-17. Review status: criteria provided, single submitter. Criteria: ACMG Guidelines, 2015. Collection method: clinical testing. Allele origin: germline. Affected: yes.
Comment: This variant has not been previously reported or functionally characterized in the literature to our knowledge. It is absent from the ExAC and gnomAD population databases and thus is presumed to be rare. The c.1946C>T (p.Ala649Val) variant affects a highly conserved amino acid and is predicted by multiple in silico tools to have a deleterious effect on protein function. Analysis of the parental samples was negative for the variant, indicating this variant likely occurred as a de novo event. Based on the available evidence, the c.1946C>T (p.Ala649Val) variant is classified as Likely Pathogenic.